The following is an entry in ClinVar:

ClinVar aggregate classification (germline): Likely pathogenic (1 of 4 stars; one submission).

Conditions:
Early-infantile DEE. Also called: Ohtahara syndrome; Early infantile epileptic encephalopathy with suppression bursts; Early infantile epileptic encephalopathy. Identifiers: Orphanet 1934, MedGen C0393706, MONDO:0800491.

Submission:

Labcorp Genetics (formerly Invitae), Labcorp
Classification: Likely pathogenic for Early-infantile DEE. Last evaluated: 2020-07-25. Review status: criteria provided, single submitter. Criteria: Invitae Variant Classification Sherloc (09022015). Collection method: clinical testing. Allele origin: germline.
Comment: In summary, the currently available evidence indicates that the variant is pathogenic, but additional data are needed to prove that conclusively. Therefore, this variant has been classified as Likely Pathogenic. Donor and acceptor splice site variants typically lead to a loss of protein function (PMID: 16199547), and loss-of-function variants in KCNQ2 are known to be pathogenic (PMID: 14534157, 23692823, 27779742). This variant has not been reported in the literature in individuals with KCNQ2-related conditions. This variant is not present in population databases (ExAC no frequency). This sequence change affects an acceptor splice site in intron 2 of the KCNQ2 gene. It is expected to disrupt RNA splicing and likely results in an absent or disrupted protein product.

Literature cited by the submitters: PubMed 16199547; PubMed 14534157; PubMed 23692823; PubMed 27779742.

NM_172107.4(KCNQ2):c.388-1G>A

Gene: KCNQ2 (potassium voltage-gated channel subfamily Q member 2; minus strand). Cytogenetic location: 20q13.33.
Variant type: single nucleotide variant.
Coding change: c.388-1G>A on transcript NM_172107.4 (MANE Select); the canonical splice acceptor site of the intron before coding-DNA position 388, G replaced by A.
Molecular consequence: splice acceptor variant.
Genome position (GRCh38, 1-based): chr20:63,445,365, C>T on the plus strand (G>A on the coding strand, the complement: KCNQ2 is on the minus strand). VCF-style: chr20-63445365-C-T. GRCh37 (hg19) VCF-style: chr20-62076718-C-T.
Other names: c.388-1G>A (NM_004518.6, NM_172108.5, NM_172106.3 and 2 more transcripts).
Identifiers: ClinVar variation 1068159 (VCV001068159.8), dbSNP rs6089914, ClinGen allele CA317462524.